The following is an entry in ClinVar:

NM_000261.2(MYOC):c.1464C>T (p.Ala488=)

Gene: MYOC (myocilin; minus strand). Cytogenetic location: 1q24.3.
Variant type: single nucleotide variant.
Coding change: c.1464C>T on transcript NM_000261.2 (MANE Select); coding-DNA position 1464, C replaced by T.
Protein change: p.Ala488=; no amino-acid change (alanine 488 retained).
Molecular consequence: synonymous variant.
Genome position (GRCh38, 1-based): chr1:171,635,976, G>A on the plus strand (C>T on the coding strand, the complement: MYOC is on the minus strand). VCF-style: chr1-171635976-G-A. GRCh37 (hg19) VCF-style: chr1-171605116-G-A.
Other names: NM_000261.2:c.1464C>T; c.1464C>T (NM_000261.1).
Identifiers: ClinVar variation 2500831 (VCV002500831.4), dbSNP rs2234929, ClinGen allele CA1244015.

ClinVar aggregate classification (germline): Likely benign. Review status: reviewed by expert panel (3 of 4 stars). 3 submissions from 3 submitters: Likely benign (1). 2 of the submissions do not count toward it. Last evaluated 2026-01-12.

Conditions:
MYOC-related disorder. Also called: MYOC-related disorders; MYOC-related condition. Identifiers: MedGen CN239330.
Open-angle glaucoma. Identifiers: MedGen C0017612, MONDO:0005338, HP:0012108.

Allele frequency attached by ClinVar (database versions not stated): TOPMed 0.00007 and 0.00010; gnomAD 0.00009 and 0.00013; 1000 Genomes Project 0.00040; 1000 Genomes Project 30x 0.00078.
gnomAD v4.1: 216 of 1,614,142 alleles (0.013%); highest among the groups gnomAD compares: East Asian, 0.4%; no homozygotes.

Submissions (3):

ClinGen Glaucoma Variant Curation Expert Panel
Classification: Likely benign for Open-angle glaucoma. Last evaluated: 2026-01-12. Review status: reviewed by expert panel. Criteria: ClinGen Glaucoma ACMG Specifications V2.0.0 Approved. Collection method: curation. Allele origin: germline. Inheritance: Autosomal dominant inheritance.
Comment: The c.1464C>T variant in MYOC is a synonymous variant (p.Ala488=). The highest minor allele frequency of this variant was in the East Asian genetic ancestry group of gnomAD (v4.1.0) = 0.003966, which met the ≥ 0.001 threshold set for BS1 (178 alleles out of 44,878, meeting the threshold of ≥ 5 of at least 2,000 observed alleles). The SpliceAI score = 0, which met the ≤ 0.1 threshold for BP4, suggesting that the variant does not impact MYOC function. This synonymous variant meets BP4, so BP7 is met. There was no functional evidence predicting a damaging or benign impact of this variant on MYOC function. Although probands with primary open angle glaucoma have been reported carrying this variant, PM2_Supporting was not met, therefore PS4 did not apply. In summary, this variant met the criteria to receive a score of -6 and to be classified as likely benign (likely benign classification range -2 to -6, adapted from PMID: 32720330) for primary open angle glaucoma based on the ACMG/AMP criteria met, as specified by the ClinGen Glaucoma VCEP (v2.0.0, 5 Dec 2024): BS1, BP4, BP7

PreventionGenetics, part of Exact Sciences
Classification: Likely benign for MYOC-related condition. Last evaluated: 2026-01-07. Review status: criteria provided, single submitter. Criteria: ACMG Guidelines, 2015. Collection method: clinical testing. Allele origin: germline. Not counted in ClinVar's aggregate classification.
Comment: This variant is classified as likely benign based on ACMG/AMP sequence variant interpretation guidelines (Richards et al. 2015 PMID: 25741868, with internal and published modifications).

Blueprint Genetics
Classification: Likely benign. Last evaluated: 2024-11-01. Review status: criteria provided, single submitter. Criteria: ACMG Guidelines, 2015. Collection method: clinical testing. Allele origin: germline. Not counted in ClinVar's aggregate classification.